The following is an entry in ClinVar:

ClinVar aggregate classification (germline): Uncertain significance. Review status: criteria provided, multiple submitters, no conflicts (2 of 4 stars). 9 submissions from 9 submitters: Uncertain significance (5). 4 of the submissions do not count toward it. Last evaluated 2025-10-07.

Conditions:
Familial Autism Spectrum Disorder.
Joubert syndrome 15 (JBTS15). Identifiers: Orphanet 475, MedGen C3280897, MONDO:0013763, OMIM 614464.
Joubert syndrome 9/15, digenic. Identifiers: MedGen C3280898.

Allele frequency attached by ClinVar (database versions not stated): ExAC 0.00009; gnomAD exomes 0.00010; gnomAD 0.00011; ESP Exome Variant Server 0.00008; TOPMed 0.00012; 1000 Genomes Project 30x 0.00016; 1000 Genomes Project 0.00020.
gnomAD v4.1: 248 of 1,581,440 alleles (0.016%); highest among the groups gnomAD compares: Admixed American, 0.02%; no homozygotes.

Submissions (9):

Dasa
Classification: Uncertain significance. Last evaluated: 2025-10-07. Review status: criteria provided, single submitter. Criteria: DASA Assertion Criteria. Collection method: clinical testing. Allele origin: germline.
Comment: NM_018718.3(CEP41):c.107T>C (p.Met36Thr) is a missense variant that results in the substitution of methionine with threonine. This variant is rare in population databases. Computational prediction algorithms are consistent with a deleterious effect. The currently available literature and clinical evidence are not sufficient to establish a definitive association between this variant and the reported condition. Therefore, this variant is classified as a variant of uncertain significance.

Blueprint Genetics
Classification: Uncertain significance. Last evaluated: 2024-06-26. Review status: criteria provided, single submitter. Criteria: ACMG Guidelines, 2015. Collection method: clinical testing. Allele origin: germline.

Labcorp Genetics (formerly Invitae), Labcorp
Classification: Uncertain significance for Joubert syndrome 15. Last evaluated: 2022-10-13. Review status: criteria provided, single submitter. Criteria: Invitae Variant Classification Sherloc (09022015). Collection method: clinical testing. Allele origin: germline.
Comment: This sequence change replaces methionine, which is neutral and non-polar, with threonine, which is neutral and polar, at codon 36 of the CEP41 protein (p.Met36Thr). This variant is present in population databases (rs368178632, gnomAD 0.02%). This missense change has been observed in individual(s) with clinical features of a ciliopathy spectrum disorder (PMID: 22246503). This variant is also known as p.36M>T. ClinVar contains an entry for this variant (Variation ID: 30842). Advanced modeling of protein sequence and biophysical properties (such as structural, functional, and spatial information, amino acid conservation, physicochemical variation, residue mobility, and thermodynamic stability) performed at Invitae indicates that this missense variant is not expected to disrupt CEP41 protein function. In summary, the available evidence is currently insufficient to determine the role of this variant in disease. Therefore, it has been classified as a Variant of Uncertain Significance.

Fulgent Genetics
Classification: Uncertain significance for Joubert syndrome 15. Last evaluated: 2022-02-03. Review status: criteria provided, single submitter. Criteria: ACMG Guidelines, 2015. Collection method: clinical testing. Allele origin: unknown.

GeneDx
Classification: Uncertain significance. Last evaluated: 2020-07-27. Review status: criteria provided, single submitter. Criteria: GeneDx Variant Classification Process June 2021. Collection method: clinical testing. Allele origin: germline. Affected: yes.
Comment: In silico analysis, which includes protein predictors and evolutionary conservation, supports a deleterious effect; This variant is associated with the following publications: (PMID: 30664616, 22246503)

OMIM
Classification: Pathogenic for JOUBERT SYNDROME 9/15, DIGENIC. Last evaluated: 2012-01-15. Review status: no assertion criteria provided. Collection method: literature only. Allele origin: germline. Not counted in ClinVar's aggregate classification.

Clinical Genetics DNA and cytogenetics Diagnostics Lab, Erasmus MC, Erasmus Medical Center
Classification: Uncertain significance. Review status: no assertion criteria provided. Collection method: clinical testing. Allele origin: germline. Affected: yes. Study: VKGL Data-share Consensus. Not counted in ClinVar's aggregate classification.

Clinical Genetics, Academic Medical Center
Classification: Uncertain significance. Review status: no assertion criteria provided. Collection method: clinical testing. Allele origin: germline. Affected: yes. Study: VKGL Data-share Consensus. Not counted in ClinVar's aggregate classification.

University of Washington Center for Mendelian Genomics, University of Washington
Classification: Likely pathogenic for Familial Autism Spectrum Disorder. Review status: no assertion criteria provided. Collection method: research. Allele origin: inherited. Affected: yes. Not counted in ClinVar's aggregate classification.

Literature cited by the submitters: PubMed 22246503 (cited by Labcorp Genetics (formerly Invitae), Labcorp and OMIM); PubMed 30664616 (cited by University of Washington Center for Mendelian Genomics, University of Washington).

NM_018718.3(CEP41):c.107T>C (p.Met36Thr)

Gene: CEP41 (centrosomal protein 41; minus strand). Cytogenetic location: 7q32.2.
Variant type: single nucleotide variant.
Coding change: c.107T>C on transcript NM_018718.3 (MANE Select); coding-DNA position 107, T replaced by C.
Protein change: p.Met36Thr; replaces methionine 36 with threonine.
Molecular consequence: missense variant. On other transcripts: non-coding transcript variant (1), intron variant (1).
Genome position (GRCh38, 1-based): chr7:130,416,957, A>G on the plus strand (T>C on the coding strand, the complement: CEP41 is on the minus strand). VCF-style: chr7-130416957-A-G. GRCh37 (hg19) VCF-style: chr7-130056798-A-G.
Other names: c.107T>C, p.Met36Thr (NM_001257158.2); c.98-4717T>C (NM_001257159.2); short protein forms M36T.
Identifiers: ClinVar variation 30842 (VCV000030842.19), dbSNP rs368178632, ClinGen allele CA129495.